The following is an entry in ClinVar:

NM_001322934.2(NFKB2):c.2271C>T (p.Pro757=)

Gene: NFKB2 (nuclear factor kappa B subunit 2; plus strand). Cytogenetic location: 10q24.32.
Variant type: single nucleotide variant.
Coding change: c.2271C>T on transcript NM_001322934.2 (MANE Select); coding-DNA position 2271, C replaced by T.
Protein change: p.Pro757=; no amino-acid change (proline 757 retained).
Molecular consequence: synonymous variant.
Genome position (GRCh38, 1-based): chr10:102,401,496, C>T. VCF-style: chr10-102401496-C-T. GRCh37 (hg19) VCF-style: chr10-104161253-C-T.
Other names: c.2271C>T, p.Pro757= (NM_001077494.3, NM_001261403.3, NM_001288724.1 and 1 more transcripts); c.2145C>T, p.Pro715= (NM_001322935.1).
Identifiers: ClinVar variation 1147269 (VCV001147269.12), dbSNP rs370993988, ClinGen allele CA212218502.
Genomic context (GRCh38, chr10:102,401,496, plus strand): 5'-GCTGTCTCCCCAGGTGAAGACCTTGCTGCTAAATGCTGCTCAGAACACCATGGAGCCACC[C>T]CTGACCCCGCCCAGCCCAGCAGGTGAGAAGCATCAGGCATCCCCAGCCCGACTCCTCTGA-3'
Protein context (NP_001309863.1, residues 747-767): LNAAQNTMEP[Pro757=]LTPPSPAGPG

ClinVar aggregate classification (germline): Likely benign. Review status: criteria provided, multiple submitters, no conflicts (2 of 4 stars). 3 submissions from 3 submitters: Likely benign (2). 1 of the submissions does not count toward it. Last evaluated 2024-06-20.

Conditions:
NFKB2-related disorder. Also called: NFKB2-related condition.
Immunodeficiency, common variable, 10. Also called: IMMUNODEFICIENCY, COMMON VARIABLE, WITH CENTRAL ADRENAL INSUFFICIENCY; DEFICIT IN ANTERIOR PITUITARY FUNCTION AND VARIABLE IMMUNODEFICIENCY. Identifiers: MedGen C3809991, MONDO:0014260, OMIM 615577.

Allele frequency attached by ClinVar (database versions not stated): gnomAD exomes below 0.00001 and 0.00001; gnomAD 0.00005 and 0.00006; ESP Exome Variant Server 0.00008; TOPMed 0.00008.
gnomAD v4.1: 18 of 1,613,358 alleles (0.0011%); highest among the groups gnomAD compares: African/African-American, 0.023%; no homozygotes.

Submissions (3):

Labcorp Genetics (formerly Invitae), Labcorp
Classification: Likely benign for Immunodeficiency, common variable, 10. Last evaluated: 2024-06-20. Review status: criteria provided, single submitter. Criteria: Invitae Variant Classification Sherloc (09022015). Collection method: clinical testing. Allele origin: germline.

Blueprint Genetics
Classification: Likely benign. Last evaluated: 2022-07-13. Review status: criteria provided, single submitter. Criteria: ACMG Guidelines, 2015. Collection method: clinical testing. Allele origin: germline.

PreventionGenetics, part of Exact Sciences
Classification: Likely benign for NFKB2-related condition. Last evaluated: 2024-01-16. Review status: no assertion criteria provided. Collection method: clinical testing. Allele origin: germline. Not counted in ClinVar's aggregate classification.
Comment: This variant is classified as likely benign based on ACMG/AMP sequence variant interpretation guidelines (Richards et al. 2015 PMID: 25741868, with internal and published modifications).